The following is an entry in ClinVar:

NM_004006.3(DMD):c.2957A>C (p.Gln986Pro)

Gene: DMD (dystrophin; minus strand). Cytogenetic location: Xp21.1.
Variant type: single nucleotide variant.
Coding change: c.2957A>C on transcript NM_004006.3 (MANE Select); coding-DNA position 2957, A replaced by C.
Protein change: p.Gln986Pro; replaces glutamine 986 with proline.
Molecular consequence: missense variant.
Genome position (GRCh38, 1-based): chrX:32,468,703, T>G on the plus strand (A>C on the coding strand, the complement: DMD is on the minus strand). VCF-style: chrX-32468703-T-G. GRCh37 (hg19) VCF-style: chrX-32486820-T-G.
Other names: c.2933A>C, p.Gln978Pro (NM_000109.4); c.2945A>C, p.Gln982Pro (NM_004009.3); c.2588A>C, p.Gln863Pro (NM_004010.3); short protein forms Q978P, Q986P, Q863P, Q982P.
Identifiers: ClinVar variation 2106583 (VCV002106583.4), dbSNP rs1386571829, ClinGen allele CA412667183.

ClinVar aggregate classification (germline): Uncertain significance (1 of 4 stars; one submission).

Conditions:
Duchenne muscular dystrophy (DMD). Also called: MUSCULAR DYSTROPHY, PSEUDOHYPERTROPHIC PROGRESSIVE, DUCHENNE TYPE; Duchenne Muscular Dystrophy (DMD). Identifiers: Orphanet 98896, MedGen C0013264, MONDO:0010679, OMIM 310200.

Submission:

Labcorp Genetics (formerly Invitae), Labcorp
Classification: Uncertain significance for Duchenne muscular dystrophy. Last evaluated: 2024-10-29. Review status: criteria provided, single submitter. Criteria: Invitae Variant Classification Sherloc (09022015). Collection method: clinical testing. Allele origin: germline.
Comment: This sequence change replaces glutamine, which is neutral and polar, with proline, which is neutral and non-polar, at codon 986 of the DMD protein (p.Gln986Pro). This variant is not present in population databases (gnomAD no frequency). This variant has not been reported in the literature in individuals affected with DMD-related conditions. ClinVar contains an entry for this variant (Variation ID: 2106583). Invitae Evidence Modeling of protein sequence and biophysical properties (such as structural, functional, and spatial information, amino acid conservation, physicochemical variation, residue mobility, and thermodynamic stability) indicates that this missense variant is not expected to disrupt DMD protein function with a negative predictive value of 95%. In summary, the available evidence is currently insufficient to determine the role of this variant in disease. Therefore, it has been classified as a Variant of Uncertain Significance.